The following is an entry in ClinVar:

NM_032043.3(BRIP1):c.357T>A (p.Asn119Lys)

Gene: BRIP1 (BRCA1 interacting DNA helicase 1; minus strand). Cytogenetic location: 17q23.2.
Variant type: single nucleotide variant.
Coding change: c.357T>A on transcript NM_032043.3 (MANE Select); coding-DNA position 357, T replaced by A.
Protein change: p.Asn119Lys; replaces asparagine 119 with lysine.
Molecular consequence: missense variant.
Genome position (GRCh38, 1-based): chr17:61,857,080, A>T on the plus strand (T>A on the coding strand, the complement: BRIP1 is on the minus strand). VCF-style: chr17-61857080-A-T. GRCh37 (hg19) VCF-style: chr17-59934441-A-T.
Other names: short protein forms N119K.
Identifiers: ClinVar variation 241657 (VCV000241657.12), dbSNP rs786202477, ClinGen allele CA10583641.

ClinVar aggregate classification (germline): Conflicting classifications of pathogenicity. Review status: criteria provided, conflicting classifications (1 of 4 stars). 2 submissions from 2 submitters: Uncertain significance (1); Likely benign (1). Last evaluated 2025-06-18.

Conditions:
Familial cancer of breast. Also called: BREAST CANCER, FAMILIAL; Hereditary breast cancer; hereditary breast carcinoma. Identifiers: Orphanet 227535, MedGen C0346153, MONDO:0016419, OMIM 114480. Disease mechanism: loss of function.
Fanconi anemia complementation group J. Also called: BRIP1-Related Fanconi Anemia. Identifiers: Orphanet 84, MedGen C1836860, MONDO:0012187, OMIM 609054.
Hereditary cancer-predisposing syndrome. Also called: Neoplastic Syndromes, Hereditary; Tumor predisposition; Hereditary neoplastic syndrome; Hereditary Cancer Syndrome. Identifiers: Orphanet 140162, MedGen C0027672, MeSH D009386, MONDO:0015356.

Submissions (2):

Labcorp Genetics (formerly Invitae), Labcorp
Classification: Uncertain significance for Familial cancer of breast; Fanconi anemia complementation group J. Last evaluated: 2025-06-18. Review status: criteria provided, single submitter. Criteria: Invitae Variant Classification Sherloc (09022015). Collection method: clinical testing. Allele origin: germline.
Comment: This sequence change replaces asparagine, which is neutral and polar, with lysine, which is basic and polar, at codon 119 of the BRIP1 protein (p.Asn119Lys). This variant is not present in population databases (gnomAD no frequency). This variant has not been reported in the literature in individuals affected with BRIP1-related conditions. ClinVar contains an entry for this variant (Variation ID: 241657). Invitae Evidence Modeling of protein sequence and biophysical properties (such as structural, functional, and spatial information, amino acid conservation, physicochemical variation, residue mobility, and thermodynamic stability) indicates that this missense variant is not expected to disrupt BRIP1 protein function with a negative predictive value of 95%. In summary, the available evidence is currently insufficient to determine the role of this variant in disease. Therefore, it has been classified as a Variant of Uncertain Significance.

Ambry Genetics
Classification: Likely benign for Hereditary cancer-predisposing syndrome. Last evaluated: 2024-01-28. Review status: criteria provided, single submitter. Criteria: Ambry Variant Classification Scheme 2023. Collection method: clinical testing. Allele origin: germline.